The following is an entry in ClinVar:

NM_020937.4(FANCM):c.2993C>G (p.Pro998Arg)

Gene: FANCM (FA complementation group M; plus strand). Cytogenetic location: 14q21.2.
Variant type: single nucleotide variant.
Coding change: c.2993C>G on transcript NM_020937.4 (MANE Select); coding-DNA position 2993, C replaced by G.
Protein change: p.Pro998Arg; replaces proline 998 with arginine.
Molecular consequence: missense variant.
Genome position (GRCh38, 1-based): chr14:45,175,747, C>G. VCF-style: chr14-45175747-C-G. GRCh37 (hg19) VCF-style: chr14-45644950-C-G.
Other names: c.2915C>G, p.Pro972Arg (NM_001308133.2); short protein forms P998R, P972R.
Identifiers: ClinVar variation 3848692 (VCV003848692.1).
Genomic context (GRCh38, chr14:45,175,747, plus strand): 5'-ATTGTCACTCATTGACAAAAGAGGTACTAGCTAATGTAGAGAGATTTTTATCTTATTCTC[C>G]TCCGCCTCTCAGTGGACTCTCAGACTTGGAATATGAAATTGCTAAGGGTACTGCACTTGA-3'
Protein context (NP_065988.1, residues 988-1008): ANVERFLSYS[Pro998Arg]PPLSGLSDLE

ClinVar aggregate classification (germline): Uncertain significance (1 of 4 stars; one submission).

Conditions:
Inborn genetic diseases. Identifiers: MedGen C0950123, MeSH D030342.

Submission:

Ambry Genetics
Classification: Uncertain significance for Inborn genetic diseases. Last evaluated: 2025-02-03. Review status: criteria provided, single submitter. Criteria: Ambry Variant Classification Scheme 2023. Collection method: clinical testing. Allele origin: germline.
Comment: The p.P998R variant (also known as c.2993C>G), located in coding exon 14 of the FANCM gene, results from a C to G substitution at nucleotide position 2993. The proline at codon 998 is replaced by arginine, an amino acid with dissimilar properties. This amino acid position is conserved. In addition, the in silico prediction for this alteration is inconclusive. Based on the available evidence, the clinical significance of this variant remains unclear.